The following is an entry in ClinVar:

NM_000246.4(CIITA):c.359-2A>G

Gene: CIITA (class II major histocompatibility complex transactivator; plus strand). Cytogenetic location: 16p13.13.
Variant type: single nucleotide variant.
Coding change: c.359-2A>G on transcript NM_000246.4 (MANE Select); the canonical splice acceptor site of the intron before coding-DNA position 359, A replaced by G.
Molecular consequence: splice acceptor variant. On other transcripts: missense variant (4).
Genome position (GRCh38, 1-based): chr16:10,898,923, A>G. VCF-style: chr16-10898923-A-G. GRCh37 (hg19) VCF-style: chr16-10992780-A-G.
Other names: c.360A>G, p.Ile120Met (NM_001286402.1, NM_001379330.1, NM_001379332.1); c.288A>G, p.Ile96Met (NM_001379334.1); c.359-2A>G (NM_001379333.1, NM_001379331.1, NM_001286403.2); short protein forms I120M, I96M.
Identifiers: ClinVar variation 1068098 (VCV001068098.11), dbSNP rs2144414230, ClinGen allele CA394727425.

ClinVar aggregate classification (germline): Likely pathogenic. Review status: criteria provided, single submitter (1 of 4 stars). 2 submissions from 2 submitters: Likely pathogenic (1). 1 of the submissions does not count toward it. Last evaluated 2023-03-07.

Conditions:
MHC class II deficiency. Also called: BLS, TYPE II; Bare lymphocyte syndrome 2. Identifiers: Orphanet 572, MedGen C5447452, MONDO:0008855.

Allele frequency attached by ClinVar (database versions not stated): gnomAD exomes below 0.00001.
gnomAD v4.1: 2 of 1,613,924 alleles (0.00012%); highest among the groups gnomAD compares: Non-Finnish European, 0.00017%; no homozygotes.

Submissions (2):

Labcorp Genetics (formerly Invitae), Labcorp
Classification: Likely pathogenic for MHC class II deficiency. Last evaluated: 2023-03-07. Review status: criteria provided, single submitter. Criteria: Invitae Variant Classification Sherloc (09022015). Collection method: clinical testing. Allele origin: germline.
Comment: This sequence change affects an acceptor splice site in intron 4 of the CIITA gene. It is expected to disrupt RNA splicing. Variants that disrupt the donor or acceptor splice site typically lead to a loss of protein function (PMID: 16199547), and loss-of-function variants in CIITA are known to be pathogenic (PMID: 8402893, 9099848, 26271388). This variant is not present in population databases (gnomAD no frequency). This variant has not been reported in the literature in individuals affected with CIITA-related conditions. ClinVar contains an entry for this variant (Variation ID: 1068098). Algorithms developed to predict the effect of sequence changes on RNA splicing suggest that this variant may disrupt the consensus splice site. In summary, the currently available evidence indicates that the variant is pathogenic, but additional data are needed to prove that conclusively. Therefore, this variant has been classified as Likely Pathogenic.

Natera, Inc.
Classification: Likely pathogenic for Bare lymphocyte syndrome type II. Last evaluated: 2020-03-18. Review status: no assertion criteria provided. Collection method: clinical testing. Allele origin: germline. Not counted in ClinVar's aggregate classification.

Literature cited by the submitters: PubMed 16199547 (cited by Labcorp Genetics (formerly Invitae), Labcorp); PubMed 8402893 (cited by Labcorp Genetics (formerly Invitae), Labcorp); PubMed 9099848 (cited by Labcorp Genetics (formerly Invitae), Labcorp); PubMed 26271388 (cited by Labcorp Genetics (formerly Invitae), Labcorp).